The following is an entry in ClinVar:

NM_002025.4(AFF2):c.1210+4A>G

Gene: AFF2 (ALF transcription elongation factor 2; plus strand). Cytogenetic location: Xq28.
Variant type: single nucleotide variant.
Coding change: c.1210+4A>G on transcript NM_002025.4 (MANE Select); 4 bases into the intron after coding-DNA position 1210, A replaced by G.
Molecular consequence: intron variant.
Genome position (GRCh38, 1-based): chrX:148,843,006, A>G. VCF-style: chrX-148843006-A-G. GRCh37 (hg19) VCF-style: chrX-147924530-A-G.
Other names: c.1123+4A>G (NM_001169124.2); c.1198+4A>G (NM_001169123.2); c.1111+4A>G (NM_001169122.2, NM_001169125.2); c.133+4A>G (NM_001170628.1).
Identifiers: ClinVar variation 1308930 (VCV001308930.2), dbSNP rs2124671930, ClinGen allele CA2573055127.

ClinVar aggregate classification (germline): Uncertain significance (1 of 4 stars; one submission).

Submission:

GeneDx
Classification: Uncertain significance. Last evaluated: 2019-10-21. Review status: criteria provided, single submitter. Criteria: GeneDx Variant Classification Process June 2021. Collection method: clinical testing. Allele origin: germline. Affected: yes.
Comment: Not observed in large population cohorts (Lek et al., 2016); Has not been previously published as pathogenic or benign to our knowledge; In-silico analysis, which includes splice predictors and evolutionary conservation, is inconclusive as to whether the variant alters gene splicing. In the absence of RNA/functional studies, the actual effect of this sequence change is unknown.